The following is an entry in ClinVar:

NM_000093.5(COL5A1):c.594G>A (p.Met198Ile)

Gene: COL5A1 (collagen type V alpha 1 chain; plus strand). Cytogenetic location: 9q34.3.
Variant type: single nucleotide variant.
Coding change: c.594G>A on transcript NM_000093.5 (MANE Select); coding-DNA position 594, G replaced by A.
Protein change: p.Met198Ile; replaces methionine 198 with isoleucine.
Molecular consequence: missense variant.
Genome position (GRCh38, 1-based): chr9:134,701,273, G>A. VCF-style: chr9-134701273-G-A. GRCh37 (hg19) VCF-style: chr9-137593119-G-A.
Other names: c.594G>A, p.Met198Ile (NM_001278074.1); short protein forms M198I.
Identifiers: ClinVar variation 2571968 (VCV002571968.1), dbSNP rs1290584238, ClinGen allele CA375443421.

ClinVar aggregate classification (germline): Uncertain significance (1 of 4 stars; one submission).

Submission:

GeneDx
Classification: Uncertain significance. Last evaluated: 2023-01-10. Review status: criteria provided, single submitter. Criteria: GeneDx Variant Classification Process June 2021. Collection method: clinical testing. Allele origin: germline. Affected: yes.
Comment: Not observed at significant frequency in large population cohorts (gnomAD); In silico analysis supports that this missense variant does not alter protein structure/function; Has not been previously published as pathogenic or benign to our knowledge; Not located in the triple helical region, where the majority of pathogenic missense variants occur (Symoens et al., 2012; HGMD)